The following is an entry in ClinVar:

NM_000059.4(BRCA2):c.2143G>T (p.Gly715Ter)

Gene: BRCA2 (BRCA2 DNA repair associated; plus strand). Cytogenetic location: 13q13.1.
Variant type: single nucleotide variant.
Coding change: c.2143G>T on transcript NM_000059.4 (MANE Select); coding-DNA position 2143, G replaced by T.
Protein change: p.Gly715Ter; replaces glycine 715 with a stop codon.
Molecular consequence: nonsense.
Genome position (GRCh38, 1-based): chr13:32,336,498, G>T. VCF-style: chr13-32336498-G-T. GRCh37 (hg19) VCF-style: chr13-32910635-G-T.
Other names: short protein forms G715*.
Identifiers: ClinVar variation 1697218 (VCV001697218.1), dbSNP rs1007336407, ClinGen allele CA387770144.

ClinVar aggregate classification (germline): Uncertain significance (0 of 4 stars; one submission).

Conditions:
Chordoma. Identifiers: Orphanet 178, MedGen C0008487, MONDO:0008978, HP:0010762.

Submission:

Integrative Tumor Epidemiology Branch, National Institutes of Health
Classification: Uncertain significance for Chordoma. Last evaluated: 2021-03-22. Review status: no assertion criteria provided. Collection method: research. Allele origin: germline. Affected: yes. Observed: 1 variant allele.
Comment: Fail to rescue the lethality of Brca2KO/KO ES cells (severe impact on BRCA2 function)